The following is an entry in ClinVar:

ClinVar aggregate classification (germline): Uncertain significance (1 of 4 stars; one submission).

Conditions:
Neurodevelopmental disorder with microcephaly, impaired language, epilepsy, and gait abnormalities. Identifiers: MedGen C5436788, MONDO:0030837, OMIM 619092.

Submission:

Clinical Genetics Laboratory, University Hospital Schleswig-Holstein
Classification: Uncertain significance for Neurodevelopmental disorder with microcephaly, impaired language, epilepsy, and gait abnormalities. Last evaluated: 2025-02-05. Review status: criteria provided, single submitter. Criteria: ACMG Guidelines, 2015. Collection method: clinical testing. Allele origin: de novo. Affected: yes. Observed: 1 heterozygote.
Comment: ACMG criteria applied: PM2, PP3, PS2_Moderate

NM_004539.4(NARS1):c.1546T>C (p.Tyr516His)

Gene: NARS1 (asparaginyl-tRNA synthetase 1; minus strand). Cytogenetic location: 18q21.31.
Variant type: single nucleotide variant.
Coding change: c.1546T>C on transcript NM_004539.4 (MANE Select); coding-DNA position 1546, T replaced by C.
Protein change: p.Tyr516His; replaces tyrosine 516 with histidine.
Molecular consequence: missense variant.
Genome position (GRCh38, 1-based): chr18:57,601,753, A>G on the plus strand (T>C on the coding strand, the complement: NARS1 is on the minus strand). VCF-style: chr18-57601753-A-G. GRCh37 (hg19) VCF-style: chr18-55268985-A-G.
Other names: short protein forms Y516H.
Identifiers: ClinVar variation 5042024 (VCV005042024.1).